The following is an entry in ClinVar:

NM_003482.4(KMT2D):c.8598del (p.Glu2866fs)

Gene: KMT2D (lysine methyltransferase 2D; minus strand). Cytogenetic location: 12q13.12.
Variant type: Deletion.
Coding change: c.8598del on transcript NM_003482.4 (MANE Select); coding-DNA position 8598, one base deleted (G; older notation c.8598delG).
Protein change: p.Glu2866fs; shifts the reading frame from glutamic acid 2866.
Molecular consequence: frameshift variant.
Genome position (GRCh38, 1-based): chr12:49,038,758, C deleted on the plus strand (G on the coding strand, the reverse complement: KMT2D is on the minus strand). VCF-style (leftmost placement, unchanged base first): chr12-49038757-GC-G. GRCh37 (hg19) VCF-style: chr12-49432540-GC-G.
Other names: short protein forms E2866fs.
Identifiers: ClinVar variation 5042763 (VCV005042763.1).

ClinVar aggregate classification (germline): Pathogenic (1 of 4 stars; one submission).

Conditions:
Fetal anomalies with a likely genetic cause.

Submission:

Genetics Laboratory, Great Ormond Street Hospital NHS Foundation Trust, North Thames Genomic Laboratory Hub
Classification: Pathogenic for Fetal anomalies with a likely genetic cause. Last evaluated: 2026-09-15. Review status: criteria provided, single submitter. Criteria: ACGS Best Practice Guidelines for Variant Classification in Rare Disease 2024 v1.2. Collection method: clinical testing. Allele origin: germline. Affected: yes.
Comment: PM2_moderate, PVS1_very-strong